The following is an entry in ClinVar:

NM_000751.3(CHRND):c.1048-7G>T

Gene: CHRND (cholinergic receptor nicotinic delta subunit; plus strand). Cytogenetic location: 2q37.1.
Variant type: single nucleotide variant.
Coding change: c.1048-7G>T on transcript NM_000751.3 (MANE Select); 7 bases into the intron before coding-DNA position 1048, G replaced by T.
Molecular consequence: intron variant.
Genome position (GRCh38, 1-based): chr2:232,533,924, G>T. VCF-style: chr2-232533924-G-T. GRCh37 (hg19) VCF-style: chr2-233398634-G-T.
Other names: c.466-7G>T (NM_001311195.2); c.745-7G>T (NM_001311196.2); c.1003-7G>T (NM_001256657.2).
Identifiers: ClinVar variation 386851 (VCV000386851.14), dbSNP rs369026633, ClinGen allele CA2168255.
Genomic context (GRCh38, chr2:232,533,924, plus strand): 5'-AGACTCCGTCTCAAAAACAAAGAACAAAAAACAACGCCTTTCTTGTGGCCCCTTGACATG[G>T]CCCCAGCTCTTCCTGGAGACCCTGCCGGAGCTCCTGCACATGTCCCGCCCAGCAGAGGAT-3'

ClinVar aggregate classification (germline): Conflicting classifications of pathogenicity. Review status: criteria provided, conflicting classifications (1 of 4 stars). 3 submissions from 3 submitters: Uncertain significance (1); Likely benign (2). Last evaluated 2026-01-22.

Conditions:
Lethal multiple pterygium syndrome (LMPS). Identifiers: Orphanet 33108, MedGen C1854678, MONDO:0009668, OMIM 253290.

Allele frequency attached by ClinVar (database versions not stated): gnomAD exomes 0.00004 and 0.00014; TOPMed 0.00006; ExAC 0.00007; gnomAD 0.00010; ESP Exome Variant Server 0.00015.

Submissions (3):

Labcorp Genetics (formerly Invitae), Labcorp
Classification: Likely benign for Lethal multiple pterygium syndrome. Last evaluated: 2026-01-22. Review status: criteria provided, single submitter. Criteria: Invitae Variant Classification Sherloc (09022015). Collection method: clinical testing. Allele origin: germline.

Genetic Services Laboratory, University of Chicago
Classification: Uncertain significance. Last evaluated: 2020-05-01. Review status: criteria provided, single submitter. Criteria: ACMG Guidelines, 2015. Collection method: clinical testing. Allele origin: germline. Affected: no.
Comment: DNA sequence analysis of the CHRND gene demonstrated a sequence change in intron 9, c.1048-7G>T. This change does not appear to have been previously described in patients with CHRND-related disorders and has been described in the Exome Sequencing Project with a low population frequency of 0.014% in the non-Finnish European subpopulation (dbSNP rs369026633). This sequence change is not clearly predicted to have a deleterious effect on splicing based on in silico splice prediction programs. It is possible that this sequence change represents a benign sequence change in the CHRND gene that has not been identified to date. The functional significance of this sequence change is not known at present and its contribution to this patient's disease phenotype cannot definitively be determined.

GeneDx
Classification: Likely benign. Last evaluated: 2016-06-16. Review status: criteria provided, single submitter. Criteria: GeneDx Variant Classification (06012015). Collection method: clinical testing. Allele origin: germline. Affected: yes.
Comment: This variant is considered likely benign or benign based on one or more of the following criteria: it is a conservative change, it occurs at a poorly conserved position in the protein, it is predicted to be benign by multiple in silico algorithms, and/or has population frequency not consistent with disease.